The following is an entry in ClinVar:

NM_002361.4(MAG):c.855C>T (p.Ala285=)

Gene: MAG (myelin associated glycoprotein; plus strand). Cytogenetic location: 19q13.12.
Variant type: single nucleotide variant.
Coding change: c.855C>T on transcript NM_002361.4 (MANE Select); coding-DNA position 855, C replaced by T.
Protein change: p.Ala285=; no amino-acid change (alanine 285 retained).
Molecular consequence: synonymous variant.
Genome position (GRCh38, 1-based): chr19:35,300,289, C>T. VCF-style: chr19-35300289-C-T. GRCh37 (hg19) VCF-style: chr19-35791192-C-T.
Other names: c.780C>T, p.Ala260= (NM_001199216.2); c.855C>T, p.Ala285= (NM_080600.3).
Identifiers: ClinVar variation 706616 (VCV000706616.14), dbSNP rs199720385, ClinGen allele CA9376110.

ClinVar aggregate classification (germline): Benign/Likely benign. Review status: criteria provided, multiple submitters, no conflicts (2 of 4 stars). 3 submissions from 3 submitters: Benign (1); Likely benign (1). 1 of the submissions does not count toward it. Last evaluated 2025-12-31.

Conditions:
MAG-related disorder. Also called: MAG-related condition.
Hereditary spastic paraplegia 75. Also called: Spastic paraplegia 75, autosomal recessive. Identifiers: Orphanet 459056, MedGen C4225250, MONDO:0014729, OMIM 616680.

Allele frequency attached by ClinVar (database versions not stated): gnomAD exomes 0.00012 and 0.00044; gnomAD 0.00032; ExAC 0.00036; TOPMed 0.00056; 1000 Genomes Project 30x 0.00094; 1000 Genomes Project 0.00100.
gnomAD v4.1: 217 of 1,599,334 alleles (0.014%); highest among the groups gnomAD compares: East Asian, 0.37%; no homozygotes.

Submissions (3):

Labcorp Genetics (formerly Invitae), Labcorp
Classification: Benign for Hereditary spastic paraplegia 75. Last evaluated: 2025-12-31. Review status: criteria provided, single submitter. Criteria: Invitae Variant Classification Sherloc (09022015). Collection method: clinical testing. Allele origin: germline.

Blueprint Genetics
Classification: Likely benign. Last evaluated: 2023-10-12. Review status: criteria provided, single submitter. Criteria: ACMG Guidelines, 2015. Collection method: clinical testing. Allele origin: germline.

PreventionGenetics, part of Exact Sciences
Classification: Likely benign for MAG-related condition. Last evaluated: 2019-07-30. Review status: no assertion criteria provided. Collection method: clinical testing. Allele origin: germline. Not counted in ClinVar's aggregate classification.
Comment: This variant is classified as likely benign based on ACMG/AMP sequence variant interpretation guidelines (Richards et al. 2015 PMID: 25741868, with internal and published modifications).